The following is an entry in ClinVar:

NM_000136.3(FANCC):c.861_868del (p.Pro288fs)

Genes: AOPEP (aminopeptidase O (putative); plus strand), FANCC (FA complementation group C; minus strand). Cytogenetic location: 9q22.32.
Variant type: Deletion.
Coding change: c.861_868del on transcript NM_000136.3 (MANE Select); coding-DNA positions 861 to 868, 8 bases deleted (CCCTGCCA; older notation c.861_868delCCCTGCCA).
Protein change: p.Pro288fs; shifts the reading frame from proline 288.
Molecular consequence: frameshift variant.
Genome position (GRCh38, 1-based): chr9:95,126,557-95,126,564, TGGCAGGG deleted on the plus strand (CCCTGCCA on the coding strand, the reverse complement: FANCC is on the minus strand); deleting any 8 consecutive bases within chr9:95,126,557-95,126,571 gives the same sequence; the c. name uses the placement nearest the transcript's 3' end. VCF-style (leftmost placement, unchanged base first): chr9-95126556-ATGGCAGGG-A. GRCh37 (hg19) VCF-style: chr9-97888838-ATGGCAGGG-A.
Other names: c.861_868del, p.Pro288fs (NM_001243743.2, NM_001243744.2); short protein forms P288fs.
Identifiers: ClinVar variation 4700510 (VCV004700510.1).

ClinVar aggregate classification (germline): Pathogenic (1 of 4 stars; one submission).

Conditions:
Fanconi anemia (FA). Also called: Fanconi's anemia. Identifiers: Orphanet 84, MedGen C0015625, MeSH D005199, MONDO:0019391.

Submission:

Labcorp Genetics (formerly Invitae), Labcorp
Classification: Pathogenic for Fanconi anemia. Last evaluated: 2025-03-07. Review status: criteria provided, single submitter. Criteria: Invitae Variant Classification Sherloc (09022015). Collection method: clinical testing. Allele origin: germline.
Comment: This sequence change creates a premature translational stop signal (p.Pro288Ilefs*5) in the FANCC gene. It is expected to result in an absent or disrupted protein product. Loss-of-function variants in FANCC are known to be pathogenic (PMID: 17924555). This variant is not present in population databases (gnomAD no frequency). This variant has not been reported in the literature in individuals affected with FANCC-related conditions. For these reasons, this variant has been classified as Pathogenic.

Literature cited by the submitters: PubMed 17924555.